The following is an entry in ClinVar:

ClinVar aggregate classification (germline): Uncertain significance (1 of 4 stars; one submission).

Conditions:
Fanconi anemia complementation group E (FANCE). Also called: FANCE-Related Fanconi Anemia. Identifiers: Orphanet 84, MedGen C3160739, MONDO:0010953, OMIM 600901.

Allele frequency attached by ClinVar (database versions not stated): TOPMed below 0.00001; ExAC 0.00003.
gnomAD v4.1: 5 of 1,612,594 alleles (0.00031%); highest among the groups gnomAD compares: East Asian, 0.0089%; no homozygotes.

Submission:

Labcorp Genetics (formerly Invitae), Labcorp
Classification: Uncertain significance for Fanconi anemia complementation group E. Last evaluated: 2025-04-18. Review status: criteria provided, single submitter. Criteria: Invitae Variant Classification Sherloc (09022015). Collection method: clinical testing. Allele origin: germline.
Comment: This sequence change replaces serine, which is neutral and polar, with cysteine, which is neutral and slightly polar, at codon 180 of the FANCE protein (p.Ser180Cys). This variant is present in population databases (rs757662883, gnomAD 0.03%). This variant has not been reported in the literature in individuals affected with FANCE-related conditions. ClinVar contains an entry for this variant (Variation ID: 2013068). Invitae Evidence Modeling of protein sequence and biophysical properties (such as structural, functional, and spatial information, amino acid conservation, physicochemical variation, residue mobility, and thermodynamic stability) indicates that this missense variant is not expected to disrupt FANCE protein function with a negative predictive value of 80%. In summary, the available evidence is currently insufficient to determine the role of this variant in disease. Therefore, it has been classified as a Variant of Uncertain Significance.

NM_021922.3(FANCE):c.539C>G (p.Ser180Cys)

Gene: FANCE (FA complementation group E; plus strand). Cytogenetic location: 6p21.31.
Variant type: single nucleotide variant.
Coding change: c.539C>G on transcript NM_021922.3 (MANE Select); coding-DNA position 539, C replaced by G.
Protein change: p.Ser180Cys; replaces serine 180 with cysteine.
Molecular consequence: missense variant.
Genome position (GRCh38, 1-based): chr6:35,456,037, C>G. VCF-style: chr6-35456037-C-G. GRCh37 (hg19) VCF-style: chr6-35423814-C-G.
Other names: c.539C>G, p.Ser180Cys (NM_001410876.1); short protein forms S180C.
Identifiers: ClinVar variation 2013068 (VCV002013068.4), dbSNP rs757662883, ClinGen allele CA3771435.
Genomic context (GRCh38, chr6:35,456,037, plus strand): 5'-GCCAGAGACAGCTCCAAAGTCTATGTAGGGGGCTGGGCCTGGGGGGCAGGAGGTTGAAAT[C>G]CCCCCAGGCTCCAGACCCTGAAGAAGAGGAGAACAGGGACTCCCAGCAGCCTGGGAAACG-3'
Protein context (NP_068741.1, residues 170-190): GLGLGGRRLK[Ser180Cys]PQAPDPEEEE